The following is an entry in ClinVar:

ClinVar aggregate classification (germline): Likely pathogenic (1 of 4 stars; one submission).

Submission:

Labcorp Genetics (formerly Invitae), Labcorp
Classification: Likely pathogenic. Last evaluated: 2020-10-30. Review status: criteria provided, single submitter. Criteria: Invitae Variant Classification Sherloc (09022015). Collection method: clinical testing. Allele origin: germline.
Comment: In summary, the currently available evidence indicates that the variant is pathogenic, but additional data are needed to prove that conclusively. Therefore, this variant has been classified as Likely Pathogenic. Algorithms developed to predict the effect of sequence changes on RNA splicing suggest that this variant may disrupt the consensus splice site, but this prediction has not been confirmed by published transcriptional studies. This variant has not been reported in the literature in individuals with PCDH15-related conditions. This variant is not present in population databases (ExAC no frequency). This sequence change affects donor splice site in intron 14 of the PCDH15 gene. It is expected to disrupt RNA splicing. Variants that disrupt the donor or acceptor splice site typically lead to a loss of protein function (PMID: 16199547), and loss-of-function variants in PCDH15 are known to be pathogenic (PMID: 11398101, 11487575, 14570705).

Literature cited by the submitters: PubMed 16199547; PubMed 11398101; PubMed 11487575; PubMed 14570705.

NM_001384140.1(PCDH15):c.1784+1_1784+12del

Gene: PCDH15 (protocadherin related 15; minus strand). Cytogenetic location: 10q21.1.
Variant type: Deletion.
Coding change: c.1784+1_1784+12del on transcript NM_001384140.1 (MANE Select); the canonical splice donor site of the intron after coding-DNA position 1784 through 12 bases into the intron after coding-DNA position 1784, 12 bases deleted (GTAATTTATATT).
Molecular consequence: splice donor variant.
Genome position (GRCh38, 1-based): chr10:54,153,088-54,153,099, AATATAAATTAC deleted on the plus strand (GTAATTTATATT on the coding strand, the reverse complement: PCDH15 is on the minus strand). VCF-style (leftmost placement, unchanged base first): chr10-54153087-TAATATAAATTAC-T. GRCh37 (hg19) VCF-style: chr10-55912847-TAATATAAATTAC-T.
Other names: c.1784+1_1784+12del (NM_001354420.2, NM_001354429.2, NM_001142772.2 and 6 more transcripts); c.1799+1_1799+12del (NM_001142771.2, NM_001142763.2); c.1805+1_1805+12del (NM_001354411.2); c.1820+1_1820+12del (NM_001142769.3); c.1718+1_1718+12del (NM_001354404.2, NM_001142773.2, NM_001142768.2); c.1673+1_1673+12del (NM_001142767.2).
Identifiers: ClinVar variation 1491168 (VCV001491168.8), dbSNP rs2133336162, ClinGen allele CA2573145137.